The following is an entry in ClinVar:

NM_017775.4(TTC19):c.572C>T (p.Ala191Val)

Gene: TTC19 (tetratricopeptide repeat domain 19; plus strand). Cytogenetic location: 17p12.
Variant type: single nucleotide variant.
Coding change: c.572C>T on transcript NM_017775.4 (MANE Select); coding-DNA position 572, C replaced by T.
Protein change: p.Ala191Val; replaces alanine 191 with valine.
Molecular consequence: missense variant.
Genome position (GRCh38, 1-based): chr17:16,004,253, C>T. VCF-style: chr17-16004253-C-T. GRCh37 (hg19) VCF-style: chr17-15907567-C-T.
Other names: c.251C>T, p.Ala84Val (NM_001271420.2); short protein forms A191V, A84V.
Identifiers: ClinVar variation 3901510 (VCV003901510.1).

ClinVar aggregate classification (germline): Uncertain significance (1 of 4 stars; one submission).

Submission:

GeneDx
Classification: Uncertain significance. Last evaluated: 2024-12-05. Review status: criteria provided, single submitter. Criteria: GeneDx Variant Classification Process June 2021. Collection method: clinical testing. Allele origin: germline. Affected: yes.
Comment: In silico analysis indicates that this missense variant does not alter protein structure/function; Has not been previously published as pathogenic or benign to our knowledge